The following is an entry in ClinVar:

ClinVar aggregate classification (germline): Likely benign. Review status: criteria provided, multiple submitters, no conflicts (2 of 4 stars). 4 submissions from 4 submitters: Likely benign (4). Last evaluated 2025-09-15.

Conditions:
Cardiovascular phenotype. Identifiers: MedGen CN230736.
Familial hypercholesterolemia. Also called: Familial hypercholesterolemias; Familial hypercholesterolaemia. Identifiers: MedGen C0020445, MONDO:0005439.
Hypercholesterolemia, autosomal dominant, 3 (FHCL3). Also called: Familial hypercholesterolemia 3; Familial Hypercholesterolemia, Autosomal Dominant, 3; PCSK9-Related Familial Hypercholesterolemia, Autosomal Dominant. Identifiers: MedGen C1863551, MONDO:0011369, OMIM 603776.

Allele frequency attached by ClinVar (database versions not stated): gnomAD 0.00005 and 0.00006; gnomAD exomes 0.00005; TOPMed 0.00005; ExAC 0.00011; ESP Exome Variant Server 0.00015.
gnomAD v4.1: 46 of 1,598,066 alleles (0.0029%); highest among the groups gnomAD compares: Middle Eastern, 0.033%; no homozygotes.

Submissions (4):

Labcorp Genetics (formerly Invitae), Labcorp
Classification: Likely benign for Hypercholesterolemia, autosomal dominant, 3. Last evaluated: 2025-09-15. Review status: criteria provided, single submitter. Criteria: Invitae Variant Classification Sherloc (09022015). Collection method: clinical testing. Allele origin: germline.

All of Us Research Program, National Institutes of Health
Classification: Likely benign for Hypercholesterolemia, autosomal dominant, 3. Last evaluated: 2023-12-01. Review status: criteria provided, single submitter. Criteria: ACMG Guidelines, 2015. Collection method: clinical testing. Allele origin: germline. Inheritance: Autosomal dominant inheritance. Observed: 10 variant alleles, 10 heterozygotes.
Comment: This study involves interpretation of variants in research participants for the purpose of population health screening. Participant phenotype was not available at the time of variant classification. Additional details can be found in publication PMID: 35346344, PMCID: PMC8962531

Ambry Genetics
Classification: Likely benign for Cardiovascular phenotype. Last evaluated: 2022-06-06. Review status: criteria provided, single submitter. Criteria: Ambry Variant Classification Scheme 2023. Collection method: clinical testing. Allele origin: germline.

Color Diagnostics, LLC DBA Color Health
Classification: Likely benign for Familial hypercholesterolemia. Last evaluated: 2018-10-24. Review status: criteria provided, single submitter. Criteria: ACMG Guidelines, 2015. Collection method: clinical testing. Allele origin: germline.

NM_174936.4(PCSK9):c.1848G>A (p.Pro616=)

Gene: PCSK9 (proprotein convertase subtilisin/kexin type 9; plus strand). Cytogenetic location: 1p32.3.
Variant type: single nucleotide variant.
Coding change: c.1848G>A on transcript NM_174936.4 (MANE Select); coding-DNA position 1848, G replaced by A.
Protein change: p.Pro616=; no amino-acid change (proline 616 retained).
Molecular consequence: synonymous variant. On other transcripts: non-coding transcript variant (8).
Genome position (GRCh38, 1-based): chr1:55,061,541, G>A. VCF-style: chr1-55061541-G-A. GRCh37 (hg19) VCF-style: chr1-55527214-G-A.
Other names: c.1971G>A, p.Pro657= (NM_001407240.1); c.1890G>A, p.Pro630= (NM_001407241.1); c.1851G>A, p.Pro617= (NM_001407242.1); c.1791G>A, p.Pro597= (NM_001407243.1); c.1674G>A, p.Pro558= (NM_001407244.1); c.1656G>A, p.Pro552= (NM_001407245.1); c.1473G>A, p.Pro491= (NM_001407246.1); c.1347G>A, p.Pro449= (NM_001407247.1).
Identifiers: ClinVar variation 923797 (VCV000923797.15), dbSNP rs145264023, ClinGen allele CA039067.